The following is an entry in ClinVar:

ClinVar aggregate classification (germline): Uncertain significance. Review status: criteria provided, multiple submitters, no conflicts (2 of 4 stars). 8 submissions from 6 submitters: Uncertain significance (8). Last evaluated 2025-03-06.

Conditions:
Inborn genetic diseases. Identifiers: MedGen C0950123, MeSH D030342.
Usher syndrome type 1D (USH1D). Also called: USHER SYNDROME, TYPE ID. Identifiers: Orphanet 231169, Orphanet 886, MedGen C1832845, MONDO:0010984, OMIM 601067.
Autosomal recessive nonsyndromic hearing loss 12. Also called: DEAFNESS, AUTOSOMAL RECESSIVE 12. Identifiers: Orphanet 90636, MedGen C1832394, MONDO:0011067, OMIM 601386.

Allele frequency attached by ClinVar (database versions not stated): gnomAD 0.00007; TOPMed 0.00008; 1000 Genomes Project 30x 0.00016; ESP Exome Variant Server 0.00016.
gnomAD v4.1: 150 of 1,613,896 alleles (0.0093%); highest among the groups gnomAD compares: South Asian, 0.013%; no homozygotes.

Submissions (8):

Ambry Genetics
Classification: Uncertain significance for Inborn genetic diseases. Last evaluated: 2025-03-06. Review status: criteria provided, single submitter. Criteria: Ambry Variant Classification Scheme 2023. Collection method: clinical testing. Allele origin: germline.

Blueprint Genetics
Classification: Uncertain significance. Last evaluated: 2023-11-28. Review status: criteria provided, single submitter. Criteria: ACMG Guidelines, 2015. Collection method: clinical testing. Allele origin: germline.

Labcorp Genetics (formerly Invitae), Labcorp
Classification: Uncertain significance. Last evaluated: 2022-10-13. Review status: criteria provided, single submitter. Criteria: Invitae Variant Classification Sherloc (09022015). Collection method: clinical testing. Allele origin: germline.
Comment: This sequence change replaces arginine, which is basic and polar, with glutamine, which is neutral and polar, at codon 2149 of the CDH23 protein (p.Arg2149Gln). This variant is present in population databases (rs377376107, gnomAD 0.02%). This variant has not been reported in the literature in individuals affected with CDH23-related conditions. ClinVar contains an entry for this variant (Variation ID: 597171). Advanced modeling of protein sequence and biophysical properties (such as structural, functional, and spatial information, amino acid conservation, physicochemical variation, residue mobility, and thermodynamic stability) performed at Invitae indicates that this missense variant is not expected to disrupt CDH23 protein function. In summary, the available evidence is currently insufficient to determine the role of this variant in disease. Therefore, it has been classified as a Variant of Uncertain Significance.

Genome-Nilou Lab
Classification: Uncertain significance for Autosomal recessive nonsyndromic hearing loss 12. Last evaluated: 2021-07-14. Review status: criteria provided, single submitter. Criteria: ACMG Guidelines, 2015. Collection method: clinical testing. Allele origin: germline. Affected: no.

Genome-Nilou Lab
Classification: Uncertain significance for Usher syndrome type 1D. Last evaluated: 2021-07-14. Review status: criteria provided, single submitter. Criteria: ACMG Guidelines, 2015. Collection method: clinical testing. Allele origin: germline. Affected: no.

Eurofins Ntd Llc (ga)
Classification: Uncertain significance. Last evaluated: 2018-05-29. Review status: criteria provided, single submitter. Criteria: EGL ClinVar v180209 classification definitions. Collection method: clinical testing. Allele origin: germline. Observed: 1 variant allele, 1 heterozygote.

Illumina Laboratory Services, Illumina
Classification: Uncertain significance for Usher syndrome type 1D. Last evaluated: 2018-01-12. Review status: criteria provided, single submitter. Criteria: ICSL Variant Classification Criteria 13 December 2019. Collection method: clinical testing. Allele origin: germline.

Illumina Laboratory Services, Illumina
Classification: Uncertain significance for Autosomal recessive nonsyndromic hearing loss 12. Last evaluated: 2018-01-12. Review status: criteria provided, single submitter. Criteria: ICSL Variant Classification Criteria 13 December 2019. Collection method: clinical testing. Allele origin: germline.

NM_022124.6(CDH23):c.6446G>A (p.Arg2149Gln)

Gene: CDH23 (cadherin related 23; plus strand). Cytogenetic location: 10q22.1.
Variant type: single nucleotide variant.
Coding change: c.6446G>A on transcript NM_022124.6 (MANE Select); coding-DNA position 6446, G replaced by A.
Protein change: p.Arg2149Gln; replaces arginine 2149 with glutamine.
Molecular consequence: missense variant.
Genome position (GRCh38, 1-based): chr10:71,793,374, G>A. VCF-style: chr10-71793374-G-A. GRCh37 (hg19) VCF-style: chr10-73553131-G-A.
Other names: short protein forms R2149Q.
Identifiers: ClinVar variation 597171 (VCV000597171.15), dbSNP rs377376107, ClinGen allele CA5546086.